The following is an entry in ClinVar:

ClinVar aggregate classification (germline): Benign/Likely benign. Review status: criteria provided, multiple submitters, no conflicts (2 of 4 stars). 9 submissions from 9 submitters: Benign (6); Likely benign (2). 1 of the submissions does not count toward it. Last evaluated 2026-02-04.

Conditions:
Schimke immuno-osseous dysplasia (SIOD). Also called: Schimke Immunoosseous Dysplasia. Identifiers: Orphanet 1830, MedGen C0877024, MONDO:0009458, OMIM 242900.

Allele frequency attached by ClinVar (database versions not stated): gnomAD exomes 0.00072 and 0.00194; ExAC 0.00241; 1000 Genomes Project 30x 0.00718; 1000 Genomes Project 0.00739; gnomAD 0.00749 and 0.00795; ESP Exome Variant Server 0.00838; TOPMed 0.00839.
gnomAD v4.1: 2,244 of 1,614,122 alleles (0.14%); highest among the groups gnomAD compares: African/African-American, 2.5%; 20 homozygotes.

Submissions (9):

Labcorp Genetics (formerly Invitae), Labcorp
Classification: Benign for Schimke immuno-osseous dysplasia. Last evaluated: 2026-02-04. Review status: criteria provided, single submitter. Criteria: Invitae Variant Classification Sherloc (09022015). Collection method: clinical testing. Allele origin: germline.

ARUP Laboratories, Molecular Genetics and Genomics, ARUP Laboratories
Classification: Benign for Schimke immuno-osseous dysplasia. Last evaluated: 2023-05-02. Review status: criteria provided, single submitter. Criteria: ARUP Molecular Germline Variant Investigation Process 2024. Collection method: clinical testing. Allele origin: germline.

GeneDx
Classification: Likely benign. Last evaluated: 2020-01-16. Review status: criteria provided, single submitter. Criteria: GeneDx Variant Classification (06012015). Collection method: clinical testing. Allele origin: germline. Affected: yes.

Illumina Laboratory Services, Illumina
Classification: Benign for Schimke immuno-osseous dysplasia. Last evaluated: 2018-01-12. Review status: criteria provided, single submitter. Criteria: ICSL Variant Classification Criteria 13 December 2019. Collection method: clinical testing. Allele origin: germline.
Comment: This variant was observed in the ICSL laboratory as part of a predisposition screen in an ostensibly healthy population. It had not been previously curated by ICSL or reported in the Human Gene Mutation Database (HGMD: prior to June 1st, 2018), and was therefore a candidate for classification through an automated scoring system. Utilizing variant allele frequency, disease prevalence and penetrance estimates, and inheritance mode, an automated score was calculated to assess if this variant is too frequent to cause the disease. Based on the score and internal cut-off values, a variant classified as benign is not then subjected to further curation. The score for this variant resulted in a classification of benign for this disease.

Clinical Genetics DNA and cytogenetics Diagnostics Lab, Erasmus MC, Erasmus Medical Center
Classification: Benign for Schimke immuno-osseous dysplasia. Last evaluated: 2016-07-27. Review status: criteria provided, single submitter. Criteria: ACGS Guidelines, 2013. Collection method: clinical testing. Allele origin: germline. Affected: yes. Study: VKGL Data-share Consensus.

Genome Diagnostics Laboratory, University Medical Center Utrecht
Classification: Benign for Schimke immuno-osseous dysplasia. Last evaluated: 2016-06-22. Review status: criteria provided, single submitter. Criteria: ACGS Guidelines, 2013. Collection method: clinical testing. Allele origin: germline. Affected: yes. Study: VKGL Data-share Consensus.

Breakthrough Genomics
Classification: Likely benign. Review status: criteria provided, single submitter. Criteria: ACMG Guidelines, 2015. Collection method: not provided. Allele origin: germline. Inheritance: Autosomal recessive inheritance. Affected: yes.

PreventionGenetics, part of Exact Sciences
Classification: Benign. Review status: criteria provided, single submitter. Criteria: ACMG Guidelines, 2015. Collection method: clinical testing. Allele origin: germline.

Natera, Inc.
Classification: Benign for Schimke immuno-osseous dysplasia. Last evaluated: 2020-09-16. Review status: no assertion criteria provided. Collection method: clinical testing. Allele origin: germline. Not counted in ClinVar's aggregate classification.

NM_014140.4(SMARCAL1):c.901C>G (p.Pro301Ala)

Gene: SMARCAL1 (SNF2 related chromatin remodeling annealing helicase 1; plus strand). Cytogenetic location: 2q35.
Variant type: single nucleotide variant.
Coding change: c.901C>G on transcript NM_014140.4 (MANE Select); coding-DNA position 901, C replaced by G.
Protein change: p.Pro301Ala; replaces proline 301 with alanine.
Molecular consequence: missense variant.
Genome position (GRCh38, 1-based): chr2:216,420,337, C>G. VCF-style: chr2-216420337-C-G. GRCh37 (hg19) VCF-style: chr2-217285060-C-G.
Other names: c.901C>G, p.Pro301Ala (NM_001127207.2); short protein forms P301A.
Identifiers: ClinVar variation 260347 (VCV000260347.20), dbSNP rs146084305, ClinGen allele CA2097734.